The following is an entry in ClinVar:

ClinVar aggregate classification (germline): Uncertain significance (1 of 4 stars; one submission).

Conditions:
Fanconi anemia (FA). Also called: Fanconi's anemia. Identifiers: Orphanet 84, MedGen C0015625, MeSH D005199, MONDO:0019391.

Submission:

Labcorp Genetics (formerly Invitae), Labcorp
Classification: Uncertain significance for Fanconi anemia. Last evaluated: 2025-02-15. Review status: criteria provided, single submitter. Criteria: Invitae Variant Classification Sherloc (09022015). Collection method: clinical testing. Allele origin: germline.
Comment: This sequence change replaces glycine, which is neutral and non-polar, with serine, which is neutral and polar, at codon 87 of the FANCG protein (p.Gly87Ser). This variant is not present in population databases (gnomAD no frequency). This variant has not been reported in the literature in individuals affected with FANCG-related conditions. An algorithm developed to predict the effect of missense changes on protein structure and function outputs the following: PolyPhen-2: "Benign". The serine amino acid residue is found in multiple mammalian species, which suggests that this missense change does not adversely affect protein function. In summary, the available evidence is currently insufficient to determine the role of this variant in disease. Therefore, it has been classified as a Variant of Uncertain Significance.

NM_004629.2(FANCG):c.259G>A (p.Gly87Ser)

Gene: FANCG (FA complementation group G; minus strand). Cytogenetic location: 9p13.3.
Variant type: single nucleotide variant.
Coding change: c.259G>A on transcript NM_004629.2 (MANE Select); coding-DNA position 259, G replaced by A.
Protein change: p.Gly87Ser; replaces glycine 87 with serine.
Molecular consequence: missense variant.
Genome position (GRCh38, 1-based): chr9:35,078,653, C>T on the plus strand (G>A on the coding strand, the complement: FANCG is on the minus strand). VCF-style: chr9-35078653-C-T. GRCh37 (hg19) VCF-style: chr9-35078650-C-T.
Other names: short protein forms G87S.
Identifiers: ClinVar variation 4765752 (VCV004765752.1).
Genomic context (GRCh38, chr9:35,078,653, plus strand): 5'-TCTGGCCCTCACCTCTCTCTAGGCTCCGCTGGATATCCTGGGCCTGATCCTCTGTGAAAC[C>T]CTGGGCCAAGCTTGCCCTCAGGATAATGAAGTTGCAGGTGACAGTCAGCTCCAAGGGAAG-3'
Protein context (NP_004620.1, residues 77-97): FIILRASLAQ[Gly87Ser]FTEDQAQDIQ